The following is an entry in ClinVar:

ClinVar aggregate classification (germline): Uncertain significance (1 of 4 stars; one submission).

Conditions:
Hereditary spastic paraplegia 7 (SPG7). Also called: SPG7-related neurologic disorder; Spastic paraplegia 7; Hereditary spastic paraplegia Paraplegin type; Autosomal recessive spastic paraplegia type 7; SPASTIC PARAPLEGIA 7, AUTOSOMAL RECESSIVE, WITH OR WITHOUT CEREBELLAR ATAXIA. Identifiers: Orphanet 99013, MedGen C1846564, MONDO:0011803, OMIM 607259.

Submission:

Labcorp Genetics (formerly Invitae), Labcorp
Classification: Uncertain significance for Hereditary spastic paraplegia 7. Last evaluated: 2023-01-26. Review status: criteria provided, single submitter. Criteria: Invitae Variant Classification Sherloc (09022015). Collection method: clinical testing. Allele origin: germline.
Comment: In summary, the available evidence is currently insufficient to determine the role of this variant in disease. Therefore, it has been classified as a Variant of Uncertain Significance. Advanced modeling of protein sequence and biophysical properties (such as structural, functional, and spatial information, amino acid conservation, physicochemical variation, residue mobility, and thermodynamic stability) performed at Invitae indicates that this missense variant is expected to disrupt SPG7 protein function. This variant has not been reported in the literature in individuals affected with SPG7-related conditions. This variant is not present in population databases (gnomAD no frequency). This sequence change replaces glutamic acid, which is acidic and polar, with alanine, which is neutral and non-polar, at codon 636 of the SPG7 protein (p.Glu636Ala).

NM_003119.4(SPG7):c.1907A>C (p.Glu636Ala)

Gene: SPG7 (SPG7 matrix AAA peptidase subunit, paraplegin; plus strand). Cytogenetic location: 16q24.3.
Variant type: single nucleotide variant.
Coding change: c.1907A>C on transcript NM_003119.4 (MANE Select); coding-DNA position 1907, A replaced by C.
Protein change: p.Glu636Ala; replaces glutamic acid 636 with alanine.
Molecular consequence: missense variant.
Genome position (GRCh38, 1-based): chr16:89,553,106, A>C. VCF-style: chr16-89553106-A-C. GRCh37 (hg19) VCF-style: chr16-89619514-A-C.
Other names: c.1907A>C, p.Glu636Ala (NM_001363850.1); short protein forms E636A.
Identifiers: ClinVar variation 2832073 (VCV002832073.3), dbSNP rs1219196665, ClinGen allele CA397432848.